The following is an entry in ClinVar:

ClinVar aggregate classification (germline): Benign (1 of 4 stars; one submission).

Allele frequency attached by ClinVar (database versions not stated): 1000 Genomes Project 0.16833; 1000 Genomes Project 30x 0.17395; gnomAD 0.18363 and 0.18456; TOPMed 0.18535; gnomAD exomes 0.20130.
gnomAD v4.1: 77,917 of 400,092 alleles (19%); highest among the groups gnomAD compares: Middle Eastern, 27%; 8,195 homozygotes.

Submission:

GeneDx
Classification: Benign. Last evaluated: 2018-06-14. Review status: criteria provided, single submitter. Criteria: GeneDx Variant Classification (06012015). Collection method: clinical testing. Allele origin: germline. Affected: yes.
Comment: This variant is considered likely benign or benign based on one or more of the following criteria: it is a conservative change, it occurs at a poorly conserved position in the protein, it is predicted to be benign by multiple in silico algorithms, and/or has population frequency not consistent with disease.

NM_004863.4(SPTLC2):c.851-293G>A

Gene: SPTLC2 (serine palmitoyltransferase long chain base subunit 2; minus strand). Cytogenetic location: 14q24.3.
Variant type: single nucleotide variant.
Coding change: c.851-293G>A on transcript NM_004863.4 (MANE Select); 293 bases into the intron before coding-DNA position 851, G replaced by A.
Molecular consequence: intron variant.
Genome position (GRCh38, 1-based): chr14:77,557,439, C>T on the plus strand (G>A on the coding strand, the complement: SPTLC2 is on the minus strand). VCF-style: chr14-77557439-C-T. GRCh37 (hg19) VCF-style: chr14-78023782-C-T.
Identifiers: ClinVar variation 667524 (VCV000667524.1), dbSNP rs2272589, ClinGen allele CA13981215.
Genomic context (GRCh38, chr14:77,557,439, plus strand): 5'-GGCTAACTCAGTTCATTAGCTTCCTTATAAAATGACCAGTGTCTCATGTTAAATACCCTG[C>T]CATTAAGTTAGCTTCTGTGTGTTTATCGAAAAATACAGAATCAAACTGTATCTCTAATCC-3'